The following is an entry in ClinVar:

ClinVar aggregate classification (germline): Pathogenic/Likely pathogenic. Review status: criteria provided, multiple submitters, no conflicts (2 of 4 stars). 2 submissions from 2 submitters: Pathogenic (1); Likely pathogenic (1). Last evaluated 2024-07-03.

Conditions:
Hereditary cancer-predisposing syndrome. Also called: Tumor predisposition; Hereditary neoplastic syndrome; Hereditary Cancer Syndrome; Neoplastic Syndromes, Hereditary. Identifiers: Orphanet 140162, MedGen C0027672, MeSH D009386, MONDO:0015356.

Submissions (2):

Quest Diagnostics Nichols Institute San Juan Capistrano
Classification: Likely pathogenic. Last evaluated: 2024-07-03. Review status: criteria provided, single submitter. Criteria: Quest Diagnostics criteria. Collection method: clinical testing. Allele origin: unknown.
Comment: The CDH1 c.828dup (p.Pro277Serfs*16) variant alters the translational reading frame of the CDH1 mRNA and is predicted to cause the premature termination of CDH1 protein synthesis. This variant has not been reported in individuals with CDH1-related conditions in the published literature. This variant has not been reported in large, multi-ethnic general populations (Genome Aggregation Database). Based on the available information, this variant is classified as likely pathogenic.

Ambry Genetics
Classification: Pathogenic for Hereditary cancer-predisposing syndrome. Last evaluated: 2023-10-05. Review status: criteria provided, single submitter. Criteria: Ambry Variant Classification Scheme 2023. Collection method: clinical testing. Allele origin: germline.
Comment: The c.828dupT pathogenic mutation, located in coding exon 6 of the CDH1 gene, results from a duplication of T at nucleotide position 828, causing a translational frameshift with a predicted alternate stop codon (p.P277Sfs*16). This variant is considered to be rare based on population cohorts in the Genome Aggregation Database (gnomAD). This alteration is expected to result in loss of function by premature protein truncation or nonsense-mediated mRNA decay. As such, this alteration is interpreted as a disease-causing mutation.

NM_004360.5(CDH1):c.828dup (p.Pro277fs)

Gene: CDH1 (cadherin 1; plus strand). Cytogenetic location: 16q22.1.
Variant type: Duplication.
Coding change: c.828dup on transcript NM_004360.5 (MANE Select); coding-DNA position 828, one base duplicated (T; older notation c.828dupT).
Protein change: p.Pro277fs; shifts the reading frame from proline 277.
Molecular consequence: frameshift variant. On other transcripts: 5 prime UTR variant (2).
Genome position (GRCh38, 1-based): chr16:68,810,337, T duplicated; the last of 2 consecutive T bases (chr16:68,810,336-68,810,337); duplicating either gives the same sequence. VCF-style (leftmost placement, unchanged base first): chr16-68810335-C-CT. GRCh37 (hg19) VCF-style: chr16-68844238-C-CT.
Other names: c.828dup (NM_004360.4); c.828dup, p.Pro277fs (NM_001317184.2); c.-788dup (NM_001317185.2); c.-992dup (NM_001317186.2); c.828dupT (NM_004360.3); short protein forms P277fs.
Identifiers: ClinVar variation 3224190 (VCV003224190.2), dbSNP rs2543919463, ClinGen allele CA2825002446.